The following is an entry in ClinVar:

NM_014669.5(NUP93):c.2342G>A (p.Arg781His)

Gene: NUP93 (nucleoporin 93; plus strand). Cytogenetic location: 16q13.
Variant type: single nucleotide variant.
Coding change: c.2342G>A on transcript NM_014669.5 (MANE Select); coding-DNA position 2342, G replaced by A.
Protein change: p.Arg781His; replaces arginine 781 with histidine.
Molecular consequence: missense variant.
Genome position (GRCh38, 1-based): chr16:56,841,826, G>A. VCF-style: chr16-56841826-G-A. GRCh37 (hg19) VCF-style: chr16-56875738-G-A.
Other names: c.1973G>A, p.Arg658His (NM_001242795.2, NM_001242796.2); short protein forms R658H, R781H.
Identifiers: ClinVar variation 722161 (VCV000722161.10), dbSNP rs147381896, ClinGen allele CA8068747.
Genomic context (GRCh38, chr16:56,841,826, plus strand): 5'-AGAGGCTCAAGGGGACAAGTCCATCCTCGTCATCCAGGCCCCAGCGAGTCATCGAGGACC[G>A]CGACTCTGTAAGATCCCAGCATTCGCGAGAAACATTGCTAAGCACCACCTTTCTGGTTTG-3'
Protein context (NP_055484.3, residues 771-791): SSRPQRVIED[Arg781His]DSQLRSQART

ClinVar aggregate classification (germline): Likely benign. Review status: criteria provided, single submitter (1 of 4 stars). 2 submissions from 2 submitters: Likely benign (1). 1 of the submissions does not count toward it. Last evaluated 2026-01-05.

Conditions:
NUP93-related disorder. Also called: NUP93-related condition.

Allele frequency attached by ClinVar (database versions not stated): gnomAD exomes 0.00012 and 0.00020; ExAC 0.00021; gnomAD 0.00076 and 0.00077; ESP Exome Variant Server 0.00077; TOPMed 0.00094; 1000 Genomes Project 0.00120; 1000 Genomes Project 30x 0.00156.
gnomAD v4.1: 300 of 1,614,004 alleles (0.019%); highest among the groups gnomAD compares: African/African-American, 0.24%; no homozygotes.

Submissions (2):

Labcorp Genetics (formerly Invitae), Labcorp
Classification: Likely benign. Last evaluated: 2026-01-05. Review status: criteria provided, single submitter. Criteria: Invitae Variant Classification Sherloc (09022015). Collection method: clinical testing. Allele origin: germline.

PreventionGenetics, part of Exact Sciences
Classification: Likely benign for NUP93-related condition. Last evaluated: 2024-08-21. Review status: no assertion criteria provided. Collection method: clinical testing. Allele origin: germline. Not counted in ClinVar's aggregate classification.
Comment: This variant is classified as likely benign based on ACMG/AMP sequence variant interpretation guidelines (Richards et al. 2015 PMID: 25741868, with internal and published modifications).